The following is an entry in ClinVar:

NM_022089.4(ATP13A2):c.1243C>T (p.Arg415Trp)

Gene: ATP13A2 (ATPase cation transporting 13A2; minus strand). Cytogenetic location: 1p36.13.
Variant type: single nucleotide variant.
Coding change: c.1243C>T on transcript NM_022089.4 (MANE Select); coding-DNA position 1243, C replaced by T.
Protein change: p.Arg415Trp; replaces arginine 415 with tryptophan.
Molecular consequence: missense variant.
Genome position (GRCh38, 1-based): chr1:16,996,449, G>A on the plus strand (C>T on the coding strand, the complement: ATP13A2 is on the minus strand). VCF-style: chr1-16996449-G-A. GRCh37 (hg19) VCF-style: chr1-17322944-G-A.
Other names: c.1228C>T, p.Arg410Trp (NM_001141973.3, NM_001141974.3); short protein forms R410W, R415W.
Identifiers: ClinVar variation 1163729 (VCV001163729.17), dbSNP rs768796427, ClinGen allele CA637305.

ClinVar aggregate classification (germline): Conflicting classifications of pathogenicity. Review status: criteria provided, conflicting classifications (1 of 4 stars). 7 submissions from 7 submitters: Uncertain significance (6); Likely benign (1). Last evaluated 2025-06-16.

Conditions:
Inborn genetic diseases. Identifiers: MedGen C0950123, MeSH D030342.
Autosomal recessive spastic paraplegia type 78. Identifiers: Orphanet 513436, MedGen C5567893, MONDO:0014975, OMIM 617225.
Kufor-Rakeb syndrome (KRS). Also called: PARKINSON DISEASE 9, AUTOSOMAL RECESSIVE, JUVENILE-ONSET. Identifiers: Orphanet 306674, Orphanet 314632, MedGen C1847640, MONDO:0011706, OMIM 606693.

Allele frequency attached by ClinVar (database versions not stated): gnomAD 0.00006 and 0.00008; TOPMed 0.00006.

Submissions (7):

GeneDx
Classification: Uncertain significance. Last evaluated: 2025-06-16. Review status: criteria provided, single submitter. Criteria: GeneDx Variant Classification Process June 2021. Collection method: clinical testing. Allele origin: germline. Affected: yes.
Comment: Reported previously in a cohort of patients with early-onset Parkinson disease; however, no further clinical or segregation information was provided (PMID: 35861376); In silico analysis supports that this missense variant has a deleterious effect on protein structure/function; This variant is associated with the following publications: (PMID: 35861376)

Labcorp Genetics (formerly Invitae), Labcorp
Classification: Uncertain significance for Kufor-Rakeb syndrome; Autosomal recessive spastic paraplegia type 78. Last evaluated: 2024-12-12. Review status: criteria provided, single submitter. Criteria: Invitae Variant Classification Sherloc (09022015). Collection method: clinical testing. Allele origin: germline.
Comment: This sequence change replaces arginine, which is basic and polar, with tryptophan, which is neutral and slightly polar, at codon 415 of the ATP13A2 protein (p.Arg415Trp). This variant is present in population databases (rs768796427, gnomAD 0.08%). This variant has not been reported in the literature in individuals affected with ATP13A2-related conditions. ClinVar contains an entry for this variant (Variation ID: 1163729). Invitae Evidence Modeling of protein sequence and biophysical properties (such as structural, functional, and spatial information, amino acid conservation, physicochemical variation, residue mobility, and thermodynamic stability) indicates that this missense variant is not expected to disrupt ATP13A2 protein function with a negative predictive value of 80%. In summary, the available evidence is currently insufficient to determine the role of this variant in disease. Therefore, it has been classified as a Variant of Uncertain Significance.

Blueprint Genetics
Classification: Uncertain significance. Last evaluated: 2024-07-02. Review status: criteria provided, single submitter. Criteria: ACMG Guidelines, 2015. Collection method: clinical testing. Allele origin: germline.

Ambry Genetics
Classification: Likely benign for Inborn genetic diseases. Last evaluated: 2024-02-16. Review status: criteria provided, single submitter. Criteria: Ambry Variant Classification Scheme 2023. Collection method: clinical testing. Allele origin: germline.

Fulgent Genetics
Classification: Uncertain significance for Kufor-Rakeb syndrome; Autosomal recessive spastic paraplegia type 78. Last evaluated: 2022-02-02. Review status: criteria provided, single submitter. Criteria: ACMG Guidelines, 2015. Collection method: clinical testing. Allele origin: unknown.

Mayo Clinic Laboratories, Mayo Clinic
Classification: Uncertain significance. Last evaluated: 2021-01-21. Review status: criteria provided, single submitter. Criteria: ACMG Guidelines, 2015. Collection method: clinical testing. Allele origin: germline. Observed: 1 variant allele.

Genetic Services Laboratory, University of Chicago
Classification: Uncertain significance. Last evaluated: 2017-09-27. Review status: criteria provided, single submitter. Criteria: ACMG Guidelines, 2015. Collection method: clinical testing. Allele origin: germline. Affected: no.